The following is an entry in ClinVar:

NM_001009944.3(PKD1):c.3077C>T (p.Thr1026Ile)

Gene: PKD1 (polycystin 1, transient receptor potential channel interacting; minus strand). Cytogenetic location: 16p13.3.
Variant type: single nucleotide variant.
Coding change: c.3077C>T on transcript NM_001009944.3 (MANE Select); coding-DNA position 3077, C replaced by T.
Protein change: p.Thr1026Ile; replaces threonine 1026 with isoleucine.
Molecular consequence: missense variant.
Genome position (GRCh38, 1-based): chr16:2,112,872, G>A on the plus strand (C>T on the coding strand, the complement: PKD1 is on the minus strand). VCF-style: chr16-2112872-G-A. GRCh37 (hg19) VCF-style: chr16-2162873-G-A.
Other names: c.3077C>T, p.Thr1026Ile (NM_000296.4); short protein forms T1026I.
Identifiers: ClinVar variation 3339796 (VCV003339796.4).

ClinVar aggregate classification (germline): Uncertain significance. Review status: criteria provided, multiple submitters, no conflicts (2 of 4 stars). 3 submissions from 3 submitters: Uncertain significance (3). Last evaluated 2026-09-01.

Conditions:
PKD1-related disorder. Also called: PKD1-related condition.

gnomAD v4.1: 66 of 1,606,836 alleles (0.0041%); highest among the groups gnomAD compares: African/African-American, 0.019%; no homozygotes.

Submissions (3):

CeGaT Center for Human Genetics Tuebingen
Classification: Uncertain significance. Last evaluated: 2026-09-01. Review status: criteria provided, single submitter. Criteria: CeGaT Center For Human Genetics Tuebingen Variant Classification Criteria Version 2. Collection method: clinical testing. Allele origin: germline. Affected: yes. Observed: 1 variant allele.
Comment: PKD1: PM2, PM3, BP4

PreventionGenetics, part of Exact Sciences
Classification: Uncertain significance for PKD1-related condition. Last evaluated: 2026-08-10. Review status: criteria provided, single submitter. Criteria: ACMG Guidelines, 2015. Collection method: clinical testing. Allele origin: germline.
Comment: The PKD1 c.3077C>T variant is predicted to result in the amino acid substitution p.Thr1026Ile. This variant was reported in the literature in four members of a family with polycystic kidney disease; however, all four individuals were also heterozygous for a pathogenic loss-of-function variant in the IFT140 gene, suggesting the PKD1 variant may be more likely to be benign (Senum et al. 2021. PubMed ID: 34890546). This variant is reported in 0.020% of alleles in individuals of African descent in gnomAD, which may be too common to be a primary cause of disease. Although we suspect this variant may be benign, at this time, the clinical significance of this variant is uncertain due to the absence of conclusive functional and genetic evidence.

Women's Health and Genetics/Laboratory Corporation of America, LabCorp
Classification: Uncertain significance. Last evaluated: 2024-06-25. Review status: criteria provided, single submitter. Criteria: LabCorp Variant Classification Summary - May 2015. Collection method: clinical testing. Allele origin: germline.
Comment: Variant summary: PKD1 c.3077C>T (p.Thr1026Ile) results in a non-conservative amino acid change located in the PKD domain (IPR000601) of the encoded protein sequence. Three of five in-silico tools predict a benign effect of the variant on protein function. The variant allele was found at a frequency of 3.2e-05 in 246872 control chromosomes. The available data on variant occurrences in the general population are insufficient to allow any conclusion about variant significance. c.3077C>T has been reported in the literature in the heterozygous state segregating with disease in 4 related individuals affected with polycystic kidney disease (example, Senum_2022), however an IFT140 pathogenic heterozygous variant also segregated fully with disease in this same family. These report(s) do not provide unequivocal conclusions about association of the variant with Polycystic Kidney Disease 1. Co-occurrences with other pathogenic variant(s) have been reported (IFT140 c.2285_2286del, p.Phe762fs*39), providing supporting evidence for a benign role. To our knowledge, no experimental evidence demonstrating an impact on protein function has been reported. The following publication has been ascertained in the context of this evaluation (PMID: 34890546). No submitters have cited clinical-significance assessments for this variant to ClinVar. Based on the evidence outlined above, the variant was classified as uncertain significance.

Literature cited by the submitters: PubMed 34890546 (cited by Women's Health and Genetics/Laboratory Corporation of America, LabCorp).